The following is an entry in ClinVar:

NM_002500.5(NEUROD1):c.723C>G (p.His241Gln)

Gene: NEUROD1 (neuronal differentiation 1; minus strand). Cytogenetic location: 2q31.3.
Variant type: single nucleotide variant.
Coding change: c.723C>G on transcript NM_002500.5 (MANE Select); coding-DNA position 723, C replaced by G.
Protein change: p.His241Gln; replaces histidine 241 with glutamine.
Molecular consequence: missense variant.
Genome position (GRCh38, 1-based): chr2:181,678,138, G>C on the plus strand (C>G on the coding strand, the complement: NEUROD1 is on the minus strand). VCF-style: chr2-181678138-G-C. GRCh37 (hg19) VCF-style: chr2-182542865-G-C.
Other names: c.723C>G (NM_002500.4); short protein forms H241Q.
Identifiers: ClinVar variation 1169892 (VCV001169892.19), dbSNP rs561017686, ClinGen allele CA2011075.

ClinVar aggregate classification (germline): Conflicting classifications of pathogenicity. Review status: criteria provided, conflicting classifications (1 of 4 stars). 5 submissions from 5 submitters: Uncertain significance (2); Benign (2); Likely benign (1). Last evaluated 2026-08-13.

Conditions:
NEUROD1-related disorder. Also called: NEUROD1-related condition.

Allele frequency attached by ClinVar (database versions not stated): 1000 Genomes Project 0.00180; 1000 Genomes Project 30x 0.00187.
gnomAD v4.1: 735 of 1,614,186 alleles (0.046%); highest among the groups gnomAD compares: South Asian, 0.7%; 13 homozygotes.

Submissions (5):

GeneDx
Classification: Uncertain significance. Last evaluated: 2026-08-13. Review status: criteria provided, single submitter. Criteria: GeneDx Variant Classification Process June 2021. Collection method: clinical testing. Allele origin: germline.
Comment: Observed in individuals with features of MODY in published literature; however, unaffected family members were also heterozygous for the variant (PMID: 36047484, 33046911, 18331410, 25041077); In silico analysis supports that this missense variant has a deleterious effect on protein structure/function; This variant is associated with the following publications: (PMID: 30793219, 25041077, 31802016, 34426522, 18331410, 36047484, 33046911)

PreventionGenetics, part of Exact Sciences
Classification: Uncertain significance for NEUROD1-related condition. Last evaluated: 2026-04-09. Review status: criteria provided, single submitter. Criteria: ACMG Guidelines, 2015. Collection method: clinical testing. Allele origin: germline.
Comment: The NEUROD1 c.723C>G variant is predicted to result in the amino acid substitution p.His241Gln. This variant has been reported in multiple individuals with maturity-onset diabetes of the young (MODY) (reported as p.His241Gln, Gonsorcíková et al 2008. PubMed ID: 18331410; Table S3, Bonnefond et al 2020. PubMed ID: 33046911; Chapla et al. 2015. PubMed ID: 25041077; Abreu et al. 2019. PubMed ID: 31578821). This variant along with a rare PDX1 variant was reported in one patient with MODY (see M28 in pedigree M26, Chapla et al. 2015. PubMed ID: 25041077). This variant is reported in 0.65% of alleles in individuals of South Asian descent in gnomAD. This allele frequency may be too high to be a primary cause of disease. At this time, the clinical significance of this variant is uncertain due to the absence of conclusive functional and genetic evidence.

Labcorp Genetics (formerly Invitae), Labcorp
Classification: Benign. Last evaluated: 2026-01-22. Review status: criteria provided, single submitter. Criteria: Invitae Variant Classification Sherloc (09022015). Collection method: clinical testing. Allele origin: germline.

Women's Health and Genetics/Laboratory Corporation of America, LabCorp
Classification: Likely benign. Last evaluated: 2024-08-14. Review status: criteria provided, single submitter. Criteria: LabCorp Variant Classification Summary - May 2015. Collection method: clinical testing. Allele origin: germline.

Mendelics
Classification: Benign. Last evaluated: 2022-05-04. Review status: criteria provided, single submitter. Criteria: Mendelics Assertion Criteria 2019. Collection method: clinical testing. Allele origin: germline.